The following is an entry in ClinVar:

ClinVar aggregate classification (germline): Benign. Review status: criteria provided, multiple submitters, no conflicts (2 of 4 stars). 14 submissions from 14 submitters: Benign (11). 3 of the submissions do not count toward it. Last evaluated 2026-02-04.

Conditions:
Retinal dystrophy. Also called: Inherited retinal dystrophy. Identifiers: Orphanet 71862, MedGen C0854723, MeSH D058499, MONDO:0019118, HP:0000556.
Usher syndrome type 2A. Also called: RETINAL DISEASE IN USHER SYNDROME TYPE IIA, MODIFIER OF; USHER SYNDROME, TYPE IIA. Identifiers: Orphanet 231178, Orphanet 886, MedGen C1848634, MONDO:0010169, OMIM 276901.

Allele frequency attached by ClinVar (database versions not stated): gnomAD exomes 0.15382 and 0.17614; gnomAD 0.17214 and 0.16805; 1000 Genomes Project 30x 0.11930; ExAC 0.15600; 1000 Genomes Project 0.11881; TOPMed 0.15965; ESP Exome Variant Server 0.18007.
gnomAD v4.1: 283,028 of 1,613,994 alleles (18%); highest among the groups gnomAD compares: Middle Eastern, 19%; 26,025 homozygotes.

Submissions (14):

Labcorp Genetics (formerly Invitae), Labcorp
Classification: Benign. Last evaluated: 2026-02-04. Review status: criteria provided, single submitter. Criteria: Invitae Variant Classification Sherloc (09022015). Collection method: clinical testing. Allele origin: germline.

Women's Health and Genetics/Laboratory Corporation of America, LabCorp
Classification: Benign. Last evaluated: 2025-10-13. Review status: criteria provided, single submitter. Criteria: LabCorp Variant Classification Summary - May 2015. Collection method: clinical testing. Allele origin: germline.

ARUP Laboratories, Molecular Genetics and Genomics, ARUP Laboratories
Classification: Benign. Last evaluated: 2023-11-22. Review status: criteria provided, single submitter. Criteria: ARUP Molecular Germline Variant Investigation Process 2024. Collection method: clinical testing. Allele origin: germline.

Dept Of Ophthalmology, Nagoya University
Classification: Benign for Retinal dystrophy. Last evaluated: 2023-10-01. Review status: criteria provided, single submitter. Criteria: Submitter's publication. Collection method: research. Allele origin: germline. Affected: yes.

Genome-Nilou Lab
Classification: Benign for Usher syndrome type 2A. Last evaluated: 2021-07-01. Review status: criteria provided, single submitter. Criteria: ACMG Guidelines, 2015. Collection method: clinical testing. Allele origin: germline. Affected: no.

Mayo Clinic Laboratories, Mayo Clinic
Classification: Benign. Last evaluated: 2020-10-01. Review status: criteria provided, single submitter. Criteria: ACMG Guidelines, 2015. Collection method: clinical testing. Allele origin: germline. Observed: 51 variant alleles.

Eurofins Ntd Llc (ga)
Classification: Benign. Last evaluated: 2014-11-04. Review status: criteria provided, single submitter. Criteria: EGL Classification Definitions 2015. Collection method: clinical testing. Allele origin: germline. Observed: 1 variant allele, 1 heterozygote.

GeneDx
Classification: Benign. Last evaluated: 2011-07-13. Review status: criteria provided, single submitter. Criteria: GeneDx Variant Classification (06012015). Collection method: clinical testing. Allele origin: germline. Affected: yes.
Comment: This variant is considered likely benign or benign based on one or more of the following criteria: it is a conservative change, it occurs at a poorly conserved position in the protein, it is predicted to be benign by multiple in silico algorithms, and/or has population frequency not consistent with disease.

Laboratory for Molecular Medicine, Mass General Brigham Personalized Medicine
Classification: Benign. Last evaluated: 2008-02-19. Review status: criteria provided, single submitter. Criteria: LMM Criteria. Collection method: clinical testing. Allele origin: germline. Observed: 671 variant alleles.

Breakthrough Genomics
Classification: Benign. Review status: criteria provided, single submitter. Criteria: ACMG Guidelines, 2015. Collection method: not provided. Allele origin: germline. Inheritance: Autosomal recessive inheritance. Affected: yes.

PreventionGenetics, part of Exact Sciences
Classification: Benign. Review status: criteria provided, single submitter. Criteria: ACMG Guidelines, 2015. Collection method: clinical testing. Allele origin: germline.

Natera, Inc.
Classification: Benign for Usher syndrome type 2A. Last evaluated: 2020-09-16. Review status: no assertion criteria provided. Collection method: clinical testing. Allele origin: germline. Not counted in ClinVar's aggregate classification.

Clinical Genetics DNA and cytogenetics Diagnostics Lab, Erasmus MC, Erasmus Medical Center
Classification: Benign. Review status: no assertion criteria provided. Collection method: clinical testing. Allele origin: germline. Affected: yes. Study: VKGL Data-share Consensus. Not counted in ClinVar's aggregate classification.

Joint Genome Diagnostic Labs from Nijmegen and Maastricht, Radboudumc and MUMC+
Classification: Benign. Review status: no assertion criteria provided. Collection method: clinical testing. Allele origin: germline. Affected: yes. Study: VKGL Data-share Consensus. Not counted in ClinVar's aggregate classification.

NM_206933.4(USH2A):c.11946G>A (p.Leu3982=)

Gene: USH2A (usherin; minus strand). Cytogenetic location: 1q41.
Variant type: single nucleotide variant.
Coding change: c.11946G>A on transcript NM_206933.4 (MANE Select); coding-DNA position 11946, G replaced by A.
Protein change: p.Leu3982=; no amino-acid change (leucine 3982 retained).
Molecular consequence: synonymous variant.
Genome position (GRCh38, 1-based): chr1:215,728,150, C>T on the plus strand (G>A on the coding strand, the complement: USH2A is on the minus strand). VCF-style: chr1-215728150-C-T. GRCh37 (hg19) VCF-style: chr1-215901492-C-T.
Other names: p.L3982L:CTG>CTA; p.Leu3982=.
Identifiers: ClinVar variation 48387 (VCV000048387.41), dbSNP rs2820718, ClinGen allele CA143279.